The following is an entry in ClinVar:

NM_000186.4(CFH):c.3358A>T (p.Ile1120Phe)

Gene: CFH (complement factor H; plus strand). Cytogenetic location: 1q31.3.
Variant type: single nucleotide variant.
Coding change: c.3358A>T on transcript NM_000186.4 (MANE Select); coding-DNA position 3358, A replaced by T.
Protein change: p.Ile1120Phe; replaces isoleucine 1120 with phenylalanine.
Molecular consequence: missense variant.
Genome position (GRCh38, 1-based): chr1:196,745,864, A>T. VCF-style: chr1-196745864-A-T. GRCh37 (hg19) VCF-style: chr1-196714994-A-T.
Other names: c.3358A>T (NM_000186.3); short protein forms I1120F.
Identifiers: ClinVar variation 1430842 (VCV001430842.11), dbSNP rs771435716, ClinGen allele CA1305941.
Genomic context (GRCh38, chr1:196,745,864, plus strand): 5'-TGATGTTTTTTAGATTCTACAGGAAAATGTGGGCCCCCTCCACCTATTGACAATGGGGAC[A>T]TTACTTCATTCCCGTTGTCAGTATATGCTCCAGCTTCATCAGTTGAGTACCAATGCCAGA-3'
Protein context (NP_000177.2, residues 1110-1130): GPPPPIDNGD[Ile1120Phe]TSFPLSVYAP

ClinVar aggregate classification (germline): Uncertain significance. Review status: criteria provided, multiple submitters, no conflicts (2 of 4 stars). 7 submissions from 4 submitters: Uncertain significance (7). Last evaluated 2026-01-14.

Conditions:
Age related macular degeneration 4. Identifiers: MedGen C1853147, MONDO:0012540, OMIM 610698.
Inborn genetic diseases. Identifiers: MedGen C0950123, MeSH D030342.
Basal laminar drusen. Also called: DRUSEN OF BRUCH MEMBRANE; DRUSEN, CUTICULAR; DRUSEN, EARLY ADULT-ONSET, GROUPED. Identifiers: Orphanet 75376, MedGen C0730295, MONDO:0007472, OMIM 126700.
Factor H deficiency (CFHD). Also called: COMPLEMENT FACTOR H DEFICIENCY; CFH DEFICIENCY. Identifiers: Orphanet 200421, MedGen C0398777, MONDO:0012350, OMIM 609814.
Hemolytic uremic syndrome, atypical, susceptibility to, 1. Also called: AHUS, SUSCEPTIBILITY TO, 1. Identifiers: Orphanet 2134, Orphanet 90038, MedGen C2749604, MONDO:0009335, OMIM 235400. Disease mechanism: Other.

Allele frequency attached by ClinVar (database versions not stated): TOPMed below 0.00001; gnomAD 0.00001 and 0.00002; gnomAD exomes 0.00002 and 0.00003; ExAC 0.00005.
gnomAD v4.1: 37 of 1,614,046 alleles (0.0023%); highest among the groups gnomAD compares: South Asian, 0.037%; no homozygotes.

Submissions (7):

Labcorp Genetics (formerly Invitae), Labcorp
Classification: Uncertain significance. Last evaluated: 2026-01-14. Review status: criteria provided, single submitter. Criteria: Invitae Variant Classification Sherloc (09022015). Collection method: clinical testing. Allele origin: germline.
Comment: This sequence change replaces isoleucine, which is neutral and non-polar, with phenylalanine, which is neutral and non-polar, at codon 1120 of the CFH protein (p.Ile1120Phe). This variant is present in population databases (rs771435716, gnomAD 0.03%). This variant has not been reported in the literature in individuals affected with CFH-related conditions. ClinVar contains an entry for this variant (Variation ID: 1430842). An algorithm developed to predict the effect of missense changes on protein structure and function (PolyPhen-2) suggests that this variant is likely to be disruptive. In summary, the available evidence is currently insufficient to determine the role of this variant in disease. Therefore, it has been classified as a Variant of Uncertain Significance.

Ambry Genetics
Classification: Uncertain significance for Inborn genetic diseases. Last evaluated: 2025-10-24. Review status: criteria provided, single submitter. Criteria: Ambry Variant Classification Scheme 2023. Collection method: clinical testing. Allele origin: germline.

Genome-Nilou Lab
Classification: Uncertain significance for Hemolytic uremic syndrome, atypical, susceptibility to, 1. Last evaluated: 2023-04-11. Review status: criteria provided, single submitter. Criteria: ACMG Guidelines, 2015. Collection method: clinical testing. Allele origin: germline. Affected: no.

Genome-Nilou Lab
Classification: Uncertain significance for Age related macular degeneration 4. Last evaluated: 2023-04-11. Review status: criteria provided, single submitter. Criteria: ACMG Guidelines, 2015. Collection method: clinical testing. Allele origin: germline. Affected: no.

Genome-Nilou Lab
Classification: Uncertain significance for Basal laminar drusen. Last evaluated: 2023-04-11. Review status: criteria provided, single submitter. Criteria: ACMG Guidelines, 2015. Collection method: clinical testing. Allele origin: germline. Affected: no.

Genome-Nilou Lab
Classification: Uncertain significance for Factor H deficiency. Last evaluated: 2023-04-11. Review status: criteria provided, single submitter. Criteria: ACMG Guidelines, 2015. Collection method: clinical testing. Allele origin: germline. Affected: no.

Fulgent Genetics
Classification: Uncertain significance for Basal laminar drusen; Hemolytic uremic syndrome, atypical, susceptibility to, 1; Factor H deficiency; Age related macular degeneration 4. Last evaluated: 2022-02-24. Review status: criteria provided, single submitter. Criteria: ACMG Guidelines, 2015. Collection method: clinical testing. Allele origin: unknown.